The following is an entry in ClinVar:

ClinVar aggregate classification (germline): Uncertain significance (1 of 4 stars; one submission).

Conditions:
Primary ciliary dyskinesia 28. Also called: CILIARY DYSKINESIA, PRIMARY, 28, WITH OR WITHOUT SITUS INVERSUS. Identifiers: Orphanet 244, MedGen C3809706, MONDO:0014216, OMIM 615505.

gnomAD v4.1: 2 of 1,597,632 alleles (0.00013%); highest among the groups gnomAD compares: Admixed American, 0.0036%; no homozygotes.

Submission:

Labcorp Genetics (formerly Invitae), Labcorp
Classification: Uncertain significance for Primary ciliary dyskinesia 28. Last evaluated: 2024-02-14. Review status: criteria provided, single submitter. Criteria: Invitae Variant Classification Sherloc (09022015). Collection method: clinical testing. Allele origin: germline.
Comment: This sequence change replaces glutamic acid, which is acidic and polar, with glycine, which is neutral and non-polar, at codon 766 of the SPAG1 protein (p.Glu766Gly). This variant is not present in population databases (gnomAD no frequency). This variant has not been reported in the literature in individuals affected with SPAG1-related conditions. Advanced modeling of protein sequence and biophysical properties (such as structural, functional, and spatial information, amino acid conservation, physicochemical variation, residue mobility, and thermodynamic stability) performed at Invitae indicates that this missense variant is not expected to disrupt SPAG1 protein function with a negative predictive value of 80%. In summary, the available evidence is currently insufficient to determine the role of this variant in disease. Therefore, it has been classified as a Variant of Uncertain Significance.

NM_003114.5(SPAG1):c.2297A>G (p.Glu766Gly)

Gene: SPAG1 (sperm associated antigen 1; plus strand). Cytogenetic location: 8q22.2.
Variant type: single nucleotide variant.
Coding change: c.2297A>G on transcript NM_003114.5 (MANE Select); coding-DNA position 2297, A replaced by G.
Protein change: p.Glu766Gly; replaces glutamic acid 766 with glycine.
Molecular consequence: missense variant.
Genome position (GRCh38, 1-based): chr8:100,240,419, A>G. VCF-style: chr8-100240419-A-G. GRCh37 (hg19) VCF-style: chr8-101252647-A-G.
Other names: c.2297A>G, p.Glu766Gly (NM_001374321.1, NM_172218.3); short protein forms E766G.
Identifiers: ClinVar variation 3648463 (VCV003648463.2).